The following is an entry in ClinVar:

NM_002303.6(LEPR):c.395G>A (p.Trp132Ter)

Gene: LEPR (leptin receptor; plus strand). Cytogenetic location: 1p31.3.
Variant type: single nucleotide variant.
Coding change: c.395G>A on transcript NM_002303.6 (MANE Select); coding-DNA position 395, G replaced by A.
Protein change: p.Trp132Ter; replaces tryptophan 132 with a stop codon.
Molecular consequence: nonsense.
Genome position (GRCh38, 1-based): chr1:65,572,350, G>A. VCF-style: chr1-65572350-G-A. GRCh37 (hg19) VCF-style: chr1-66038033-G-A.
Other names: c.395G>A, p.Trp132Ter (NM_001003679.3, NM_001003680.3, NM_001198687.2 and 2 more transcripts); short protein forms W132*.
Identifiers: ClinVar variation 3653406 (VCV003653406.2).

ClinVar aggregate classification (germline): Pathogenic (1 of 4 stars; one submission).

Submission:

Labcorp Genetics (formerly Invitae), Labcorp
Classification: Pathogenic. Last evaluated: 2025-08-18. Review status: criteria provided, single submitter. Criteria: Invitae Variant Classification Sherloc (09022015). Collection method: clinical testing. Allele origin: germline.
Comment: This sequence change creates a premature translational stop signal (p.Trp132*) in the LEPR gene. It is expected to result in an absent or disrupted protein product. Loss-of-function variants in LEPR are known to be pathogenic (PMID: 23616257, 24319006, 25751111). This variant is not present in population databases (gnomAD no frequency). This variant has not been reported in the literature in individuals affected with LEPR-related conditions. ClinVar contains an entry for this variant (Variation ID: 3653406). Algorithms developed to predict the effect of sequence changes on RNA splicing suggest that this variant may disrupt the consensus splice site. For these reasons, this variant has been classified as Pathogenic.

Literature cited by the submitters: PubMed 23616257; PubMed 24319006; PubMed 25751111.